The following is an entry in ClinVar:

NM_007347.5(AP4E1):c.2725G>T (p.Glu909Ter)

Gene: AP4E1 (adaptor related protein complex 4 subunit epsilon 1; plus strand). Cytogenetic location: 15q21.2.
Variant type: single nucleotide variant.
Coding change: c.2725G>T on transcript NM_007347.5 (MANE Select); coding-DNA position 2725, G replaced by T.
Protein change: p.Glu909Ter; replaces glutamic acid 909 with a stop codon.
Molecular consequence: nonsense.
Genome position (GRCh38, 1-based): chr15:50,997,704, G>T. VCF-style: chr15-50997704-G-T. GRCh37 (hg19) VCF-style: chr15-51289901-G-T.
Other names: c.2500G>T, p.Glu834Ter (NM_001252127.2); short protein forms E834*, E909*.
Identifiers: ClinVar variation 1419674 (VCV001419674.6), dbSNP rs2140934998, ClinGen allele CA392420598.

ClinVar aggregate classification (germline): Pathogenic (1 of 4 stars; one submission).

Conditions:
Spastic paraplegia. Identifiers: MedGen C0037772, HP:0001258.

Submission:

Labcorp Genetics (formerly Invitae), Labcorp
Classification: Pathogenic for Spastic paraplegia. Last evaluated: 2020-10-26. Review status: criteria provided, single submitter. Criteria: Invitae Variant Classification Sherloc (09022015). Collection method: clinical testing. Allele origin: germline.
Comment: For these reasons, this variant has been classified as Pathogenic. This variant has not been reported in the literature in individuals with AP4E1-related conditions. This variant is not present in population databases (ExAC no frequency). This sequence change creates a premature translational stop signal (p.Glu909*) in the AP4E1 gene. It is expected to result in an absent or disrupted protein product. Loss-of-function variants in AP4E1 are known to be pathogenic (PMID: 21937992, 21620353, 23472171).

Literature cited by the submitters: PubMed 21937992; PubMed 21620353; PubMed 23472171.